The following is an entry in ClinVar:

ClinVar aggregate classification (germline): Uncertain significance (1 of 4 stars; one submission).

Conditions:
Cowden syndrome 7 (CWS7). Identifiers: Orphanet 201, MedGen C4225179, MONDO:0014802, OMIM 616858.
Congenital dyserythropoietic anemia, type II (CDAN2). Also called: DYSERYTHROPOIETIC ANEMIA, HEMPAS TYPE. Identifiers: Orphanet 98873, MedGen C1306589, MONDO:0009134, OMIM 224100.

gnomAD v4.1: 2 of 1,614,172 alleles (0.00012%); highest among the groups gnomAD compares: Non-Finnish European, 0.00017%; no homozygotes.

Submission:

Labcorp Genetics (formerly Invitae), Labcorp
Classification: Uncertain significance for Congenital dyserythropoietic anemia, type II; Cowden syndrome 7. Last evaluated: 2025-03-22. Review status: criteria provided, single submitter. Criteria: Invitae Variant Classification Sherloc (09022015). Collection method: clinical testing. Allele origin: germline.
Comment: This sequence change replaces glutamic acid, which is acidic and polar, with lysine, which is basic and polar, at codon 319 of the SEC23B protein (p.Glu319Lys). This variant is not present in population databases (gnomAD no frequency). This variant has not been reported in the literature in individuals affected with SEC23B-related conditions. Invitae Evidence Modeling of protein sequence and biophysical properties (such as structural, functional, and spatial information, amino acid conservation, physicochemical variation, residue mobility, and thermodynamic stability) indicates that this missense variant is not expected to disrupt SEC23B protein function with a negative predictive value of 95%. In summary, the available evidence is currently insufficient to determine the role of this variant in disease. Therefore, it has been classified as a Variant of Uncertain Significance.

NM_006363.6(SEC23B):c.955G>A (p.Glu319Lys)

Gene: SEC23B (SEC23 homolog B, COPII component; plus strand). Cytogenetic location: 20p11.23.
Variant type: single nucleotide variant.
Coding change: c.955G>A on transcript NM_006363.6 (MANE Select); coding-DNA position 955, G replaced by A.
Protein change: p.Glu319Lys; replaces glutamic acid 319 with lysine.
Molecular consequence: missense variant.
Genome position (GRCh38, 1-based): chr20:18,526,493, G>A. VCF-style: chr20-18526493-G-A. GRCh37 (hg19) VCF-style: chr20-18507137-G-A.
Other names: c.955G>A, p.Glu319Lys (NM_001172745.3, NM_032985.6, NM_032986.5); c.901G>A, p.Glu301Lys (NM_001172746.3); short protein forms E301K, E319K.
Identifiers: ClinVar variation 4790281 (VCV004790281.1).